The following is an entry in ClinVar:

ClinVar aggregate classification (germline): Uncertain significance (1 of 4 stars; one submission).

Conditions:
Neuronal ceroid lipofuscinosis 7 (CLN7). Also called: MFSD8-Related Neuronal Ceroid-Lipofuscinosis. Identifiers: Orphanet 168491, Orphanet 228366, MedGen C1838571, MONDO:0012588, OMIM 610951.

Submission:

Labcorp Genetics (formerly Invitae), Labcorp
Classification: Uncertain significance for Neuronal ceroid lipofuscinosis 7. Last evaluated: 2020-11-23. Review status: criteria provided, single submitter. Criteria: Invitae Variant Classification Sherloc (09022015). Collection method: clinical testing. Allele origin: germline.
Comment: This variant is not present in population databases (ExAC no frequency). In summary, the available evidence is currently insufficient to determine the role of this variant in disease. Therefore, it has been classified as a Variant of Uncertain Significance. Algorithms developed to predict the effect of missense changes on protein structure and function (SIFT, PolyPhen-2, Align-GVGD) all suggest that this variant is likely to be tolerated, but these predictions have not been confirmed by published functional studies and their clinical significance is uncertain. This variant has not been reported in the literature in individuals with MFSD8-related conditions. This sequence change replaces leucine with phenylalanine at codon 141 of the MFSD8 protein (p.Leu141Phe). The leucine residue is moderately conserved and there is a small physicochemical difference between leucine and phenylalanine.

NM_001371596.2(MFSD8):c.423G>T (p.Leu141Phe)

Gene: MFSD8 (major facilitator superfamily domain containing 8; minus strand). Cytogenetic location: 4q28.2.
Variant type: single nucleotide variant.
Coding change: c.423G>T on transcript NM_001371596.2 (MANE Select); coding-DNA position 423, G replaced by T.
Protein change: p.Leu141Phe; replaces leucine 141 with phenylalanine.
Molecular consequence: missense variant.
Genome position (GRCh38, 1-based): chr4:127,943,768, C>A on the plus strand (G>T on the coding strand, the complement: MFSD8 is on the minus strand). VCF-style: chr4-127943768-C-A. GRCh37 (hg19) VCF-style: chr4-128864923-C-A.
Other names: c.423G>T, p.Leu141Phe (NM_001363520.3, NM_001363521.3, NM_001371591.2 and 5 more transcripts); c.288G>T, p.Leu96Phe (NM_001371590.2, NM_001371595.1, NM_001410765.1); short protein forms L141F, L96F.
Identifiers: ClinVar variation 1465054 (VCV001465054.9), dbSNP rs1462440516, ClinGen allele CA358176680.
Genomic context (GRCh38, chr4:127,943,768, plus strand): 5'-TGAATGTGAATATGACACAACCAAACATATACATACAACCTTACCTGCTCCAATTCCCAA[C>A]AATCCACGAGCAACCAGCATGTAGTATTTATTATGAGAAGCTGGGATGTGGAGATATGCA-3'
Protein context (NP_001358525.1, residues 131-151): NKYYMLVARG[Leu141Phe]LGIGAGNVAV